The following is an entry in ClinVar:

NM_001374828.1(ARID1B):c.473C>G (p.Ala158Gly)

Genes: ARID1B (AT-rich interaction domain 1B; plus strand), LOC115308161 (uncharacterized LOC115308161; minus strand). Cytogenetic location: 6q25.3.
Variant type: single nucleotide variant.
Coding change: c.473C>G on transcript NM_001374828.1 (MANE Select); coding-DNA position 473, C replaced by G.
Protein change: p.Ala158Gly; replaces alanine 158 with glycine.
Molecular consequence: missense variant.
Genome position (GRCh38, 1-based): chr6:156,778,153, C>G. VCF-style: chr6-156778153-C-G. GRCh37 (hg19) VCF-style: chr6-157099287-C-G.
Other names: c.473C>G, p.Ala158Gly (NM_001371656.1, NM_001374820.1, NM_001438482.1 and 9 more transcripts); short protein forms A158G.
Identifiers: ClinVar variation 4741482 (VCV004741482.1).

ClinVar aggregate classification (germline): Uncertain significance (1 of 4 stars; one submission).

gnomAD v4.1: 32 of 1,540,936 alleles (0.0021%); highest among the groups gnomAD compares: Non-Finnish European, 0.0026%; no homozygotes.

Submission:

Labcorp Genetics (formerly Invitae), Labcorp
Classification: Uncertain significance. Last evaluated: 2025-12-02. Review status: criteria provided, single submitter. Criteria: Invitae Variant Classification Sherloc (09022015). Collection method: clinical testing. Allele origin: germline.
Comment: This sequence change replaces alanine, which is neutral and non-polar, with glycine, which is neutral and non-polar, at codon 75 of the ARID1B protein (p.Ala75Gly). This variant is present in population databases (no rsID available, gnomAD 0.06%). This variant has not been reported in the literature in individuals affected with ARID1B-related conditions. Invitae Evidence Modeling of protein sequence and biophysical properties (such as structural, functional, and spatial information, amino acid conservation, physicochemical variation, residue mobility, and thermodynamic stability) indicates that this missense variant is not expected to disrupt ARID1B protein function with a negative predictive value of 95%. In summary, the available evidence is currently insufficient to determine the role of this variant in disease. Therefore, it has been classified as a Variant of Uncertain Significance.